The following is an entry in ClinVar:

ClinVar aggregate classification (germline): Likely benign (1 of 4 stars; one submission).

Conditions:
GSN-related disorder. Also called: GSN-related condition.

Submission:

PreventionGenetics, part of Exact Sciences
Classification: Likely benign for GSN-related condition. Last evaluated: 2026-06-17. Review status: criteria provided, single submitter. Criteria: ACMG Guidelines, 2015. Collection method: clinical testing. Allele origin: germline.
Comment: This variant is classified as likely benign based on ACMG/AMP sequence variant interpretation guidelines (Richards et al. 2015 PMID: 25741868, with internal and published modifications).

NM_198252.3(GSN):c.-10+4572del

Genes: GSN (gelsolin; plus strand), LOC126860753 (MED14-independent group 3 enhancer GRCh37_chr9:124048350-124049549; plus strand). Cytogenetic location: 9q33.2.
Variant type: Deletion.
Coding change: c.-10+4572del on transcript NM_198252.3 (MANE Select); 4572 bases into the intron after 10 bases upstream of the start codon, one base deleted (C; older notation c.-10+4572delC).
Molecular consequence: intron variant. On other transcripts: 5 prime UTR variant (2).
Genome position (GRCh38, 1-based): chr9:121,286,134, C deleted; the last of 6 consecutive C bases (chr9:121,286,129-121,286,134); deleting any one gives the same sequence. VCF-style (leftmost placement, unchanged base first): chr9-121286128-TC-T. GRCh37 (hg19) VCF-style: chr9-124048406-TC-T.
Other names: c.-10del (NM_001258029.2); c.-99del (NM_001353069.2); c.-10+4572del (NM_001353054.1, NM_001353053.1, NM_001353060.2 and 2 more transcripts); c.-48+4572del (NM_001353064.2, NM_001353066.2, NM_001353076.2 and 1 more transcripts); c.-2+4572del (NM_001353058.2, NM_001353057.2); c.-39+3584del (NM_001353073.2, NM_001353068.2); c.-39+4181del (NM_001353065.2); c.-10+4181del (NM_001127664.2); and 13 more.
Identifiers: ClinVar variation 4981138 (VCV004981138.1).